The following is an entry in ClinVar:

ClinVar aggregate classification (germline): Pathogenic (1 of 4 stars; one submission).

Conditions:
Generalized juvenile polyposis/juvenile polyposis coli. Also called: Juvenile polyposis coli. Identifiers: Orphanet 329971, MedGen C1868081, MONDO:0008276.

Submission:

Women's Health and Genetics/Laboratory Corporation of America, LabCorp
Classification: Pathogenic for Juvenile polyposis syndrome. Last evaluated: 2020-02-26. Review status: criteria provided, single submitter. Criteria: LabCorp Variant Classification Summary - May 2015. Collection method: clinical testing. Allele origin: germline.
Comment: Variant summary: The variant identified by MLPA or other technology involves the partial deletion of exon 3 in the BMPR1A gene. A presumed nomenclature of c.(-153+1_-152-1)_(67+1_68-1)del has been designated for the purposes of this classification. Although exact breakpoints of this deletion are not known, it is expected to result in a start-loss deletion change in the BMPR1A gene, a known mechanism of disease. The variant was not indicated to have been detected in the gnomAD database under identified structural variants. c.(-153+1_-152-1)_(67+1_68-1)del has been reported in at least three individuals affected with Juvenile Polyposis Syndrome (Aretz_2007, Susswein_2016). One clinical diagnostic laboratories have submitted clinical-significance assessments for this variant to ClinVar after 2014 and classified this variant as pathogenic. Based on the evidence outlined above, the variant was classified as pathogenic.

Literature cited by the submitters: PubMed 26681312; PubMed 17873119.

NC_000010.11:g.(86838980_86875866)_(86876086_86890061)del

Gene: BMPR1A (bone morphogenetic protein receptor type 1A; plus strand). Cytogenetic location: 10q23.2.
Variant type: Deletion.
Identifiers: ClinVar variation 981981 (VCV000981981.1).